The following is an entry in ClinVar:

ClinVar aggregate classification (germline): Uncertain significance. Review status: criteria provided, multiple submitters, no conflicts (2 of 4 stars). 2 submissions from 2 submitters: Uncertain significance (2). Last evaluated 2025-06-23.

Conditions:
Inborn genetic diseases. Identifiers: MedGen C0950123, MeSH D030342.

Allele frequency attached by ClinVar (database versions not stated): gnomAD exomes 0.00001; gnomAD 0.00002; ExAC 0.00003; TOPMed 0.00003; ESP Exome Variant Server 0.00008.
gnomAD v4.1: 14 of 1,613,736 alleles (0.00087%); highest among the groups gnomAD compares: African/African-American, 0.0053%; no homozygotes.

Submissions (2):

Ambry Genetics
Classification: Uncertain significance for Inborn genetic diseases. Last evaluated: 2025-06-23. Review status: criteria provided, single submitter. Criteria: Ambry Variant Classification Scheme 2023. Collection method: clinical testing. Allele origin: germline.

GeneDx
Classification: Uncertain significance. Last evaluated: 2023-09-15. Review status: criteria provided, single submitter. Criteria: GeneDx Variant Classification Process June 2021. Collection method: clinical testing. Allele origin: germline. Affected: yes.
Comment: In silico analysis supports that this missense variant has a deleterious effect on protein structure/function; Has not been previously published as pathogenic or benign to our knowledge

NM_004817.4(TJP2):c.2323C>T (p.Arg775Trp)

Gene: TJP2 (tight junction protein 2; plus strand). Cytogenetic location: 9q21.11.
Variant type: single nucleotide variant.
Coding change: c.2323C>T on transcript NM_004817.4 (MANE Select); coding-DNA position 2323, C replaced by T.
Protein change: p.Arg775Trp; replaces arginine 775 with tryptophan.
Molecular consequence: missense variant.
Genome position (GRCh38, 1-based): chr9:69,238,757, C>T. VCF-style: chr9-69238757-C-T. GRCh37 (hg19) VCF-style: chr9-71853673-C-T.
Other names: c.2254C>T, p.Arg752Trp (NM_001170414.2, NM_001369871.1); c.2335C>T, p.Arg779Trp (NM_001170415.1, NM_001369874.1, NM_001369875.1); c.2416C>T, p.Arg806Trp (NM_001170416.2); c.2248C>T, p.Arg750Trp (NM_001369870.1); c.2323C>T, p.Arg775Trp (NM_001369872.1, NM_001369873.1, NM_201629.3); short protein forms R750W, R752W, R775W, R779W, R806W.
Identifiers: ClinVar variation 1710762 (VCV001710762.5), dbSNP rs147994200, ClinGen allele CA5073640.
Genomic context (GRCh38, chr9:69,238,757, plus strand): 5'-TTTGCTTTTGCAGAAACGGAACCAAAAGATGCAGGATCTGAGAAATCCACTGGAGTGGTC[C>T]GGTTAAATACCGTGAGGCAAATTATTGAACAGGTGAGAAAATTCATCCACAGACCGTGTT-3'
Protein context (NP_004808.2, residues 765-785): AGSEKSTGVV[Arg775Trp]LNTVRQIIEQ